The following is an entry in ClinVar:

NM_000349.3(STAR):c.811del (p.Leu271fs)

Gene: STAR (steroidogenic acute regulatory protein; minus strand). Cytogenetic location: 8p11.23.
Variant type: Deletion.
Coding change: c.811del on transcript NM_000349.3 (MANE Select); coding-DNA position 811, one base deleted (C; older notation c.811delC).
Protein change: p.Leu271fs; shifts the reading frame from leucine 271.
Molecular consequence: frameshift variant.
Genome position (GRCh38, 1-based): chr8:38,144,320, G deleted on the plus strand (C on the coding strand, the reverse complement: STAR is on the minus strand); the first of 2 consecutive G bases (chr8:38,144,320-38,144,321); deleting either gives the same sequence. VCF-style (leftmost placement, unchanged base first): chr8-38144319-AG-A. GRCh37 (hg19) VCF-style: chr8-38001837-AG-A.
Other names: c.811del (NM_000349.2); c.811delC (NM_000349.3); short protein forms L271fs.
Identifiers: ClinVar variation 556387 (VCV000556387.12), dbSNP rs1350908961, ClinGen allele CA581109596.

ClinVar aggregate classification (germline): Pathogenic/Likely pathogenic. Review status: criteria provided, multiple submitters, no conflicts (2 of 4 stars). 5 submissions from 5 submitters: Pathogenic (2); Likely pathogenic (2). 1 of the submissions does not count toward it. Last evaluated 2025-11-16.

Conditions:
Congenital lipoid adrenal hyperplasia due to STAR deficency. Also called: Congenital Lipoid Adrenal Hyperplasia; Cholesterol monooxygenase (side-chain cleaving) deficiency; Lipoid adrenal hyperplasia; ADRENAL HYPERPLASIA I. Identifiers: Orphanet 418, Orphanet 90790, MedGen C0342474, MONDO:0008725, OMIM 201710.

Submissions (5):

Natera, Inc.
Classification: Likely pathogenic for Congenital lipoid adrenal hyperplasia. Last evaluated: 2025-11-16. Review status: criteria provided, single submitter. Criteria: Natera Variant Classification Schema (03/2026). Collection method: clinical testing. Allele origin: germline.
Comment: The c.811delC variant in STAR is a frameshift variant predicted to elongate the protein beyond the termination codon. This variant is expected to result in nonsense mediated decay, truncation, or a dysfunctional protein product. This variant is rare in the general population with a frequency below the threshold expected for the associated phenotype(s). Given the available evidence, this variant is classified as Likely Pathogenic.

Women's Health and Genetics/Laboratory Corporation of America, LabCorp
Classification: Pathogenic for Congenital lipoid adrenal hyperplasia due to STAR deficency. Last evaluated: 2024-08-15. Review status: criteria provided, single submitter. Criteria: LabCorp Variant Classification Summary - May 2015. Collection method: clinical testing. Allele origin: germline.
Comment: Variant summary: STAR c.811delC (p.Leu271CysfsX50) causes a frameshift which results in an extension of the protein. A downtream protein extension variant of the same length has been reported in a patient with 46,XY sex reversal and early-onset adrenal failure (c.815delG p.Arg272Profs*49, PMID 23748066). The variant allele was found at a frequency of 4.1e-06 in 241428 control chromosomes. To our knowledge, no occurrence of c.811delC in individuals affected with Congenital Lipoid Adrenal Hyperplasia and no experimental evidence demonstrating its impact on protein function have been reported. At-least one protein extension variant is known to associate with disease (c.834_844del p.H278QfsX49. PMID 23211570). ClinVar contains an entry for this variant (Variation ID: 556387). Based on the evidence outlined above, the variant was classified as pathogenic.

Fulgent Genetics
Classification: Likely pathogenic for Congenital lipoid adrenal hyperplasia due to STAR deficency. Last evaluated: 2024-06-10. Review status: criteria provided, single submitter. Criteria: ACMG Guidelines, 2015. Collection method: clinical testing. Allele origin: germline.

Labcorp Genetics (formerly Invitae), Labcorp
Classification: Pathogenic. Last evaluated: 2024-02-19. Review status: criteria provided, single submitter. Criteria: Invitae Variant Classification Sherloc (09022015). Collection method: clinical testing. Allele origin: germline.
Comment: This sequence change results in a frameshift in the STAR gene (p.Leu271Cysfs*50). While this is not anticipated to result in nonsense mediated decay, it is expected to disrupt the last 15 amino acid(s) of the STAR protein and extend the protein by 34 additional amino acid residues. This variant is present in population databases (no rsID available, gnomAD 0.0009%). This variant has not been reported in the literature in individuals affected with STAR-related conditions. ClinVar contains an entry for this variant (Variation ID: 556387). Experimental studies and prediction algorithms are not available or were not evaluated, and the functional significance of this variant is currently unknown. This variant disrupts a region of the STAR protein in which other variant(s) (c.834_844del) have been determined to be pathogenic (PMID: 23211570). This suggests that this is a clinically significant region of the protein, and that variants that disrupt it are likely to be disease-causing. For these reasons, this variant has been classified as Pathogenic.

Counsyl
Classification: Likely pathogenic for Congenital lipoid adrenal hyperplasia due to STAR deficency. Last evaluated: 2018-01-26. Review status: no assertion criteria provided. Collection method: clinical testing. Allele origin: unknown. Not counted in ClinVar's aggregate classification.

Literature cited by the submitters: PubMed 23211570 (cited by Labcorp Genetics (formerly Invitae), Labcorp).